The following is an entry in ClinVar:

ClinVar aggregate classification (germline): Likely benign. Review status: criteria provided, multiple submitters, no conflicts (2 of 4 stars). 4 submissions from 4 submitters: Likely benign (4). Last evaluated 2025-08-26.

Conditions:
Cardiomyopathy (CMYO). Also called: Cardiomyopathies. Identifiers: Orphanet 167848, MedGen C0878544, MONDO:0004994, HP:0001638. Inheritance: Various modes of inheritance.
Hypertrophic cardiomyopathy. Also called: HYPERTROPHIC MYOCARDIOPATHY. Identifiers: Orphanet 217569, MedGen C0007194, MeSH D002312, MONDO:0005045, HP:0001639.

Allele frequency attached by ClinVar (database versions not stated): gnomAD exomes below 0.00001; TOPMed below 0.00001.
gnomAD v4.1: 2 of 1,613,076 alleles (0.00012%); highest among the groups gnomAD compares: Non-Finnish European, 0.00017%; no homozygotes.

Submissions (4):

Labcorp Genetics (formerly Invitae), Labcorp
Classification: Likely benign for Hypertrophic cardiomyopathy. Last evaluated: 2025-08-26. Review status: criteria provided, single submitter. Criteria: Invitae Variant Classification Sherloc (09022015). Collection method: clinical testing. Allele origin: germline.

All of Us Research Program, National Institutes of Health
Classification: Likely benign for Hypertrophic cardiomyopathy. Last evaluated: 2023-06-26. Review status: criteria provided, single submitter. Criteria: ACMG Guidelines, 2015. Collection method: clinical testing. Allele origin: germline. Inheritance: Autosomal dominant inheritance. Observed: 1 variant allele, 1 heterozygote.
Comment: This study involves interpretation of variants in research participants for the purpose of population health screening. Participant phenotype was not available at the time of variant classification. Additional details can be found in publication PMID: 35346344, PMCID: PMC8962531

Color Diagnostics, LLC DBA Color Health
Classification: Likely benign for Cardiomyopathy. Last evaluated: 2023-06-21. Review status: criteria provided, single submitter. Criteria: ACMG Guidelines, 2015. Collection method: clinical testing. Allele origin: germline.

CHEO Genetics Diagnostic Laboratory, Children's Hospital of Eastern Ontario
Classification: Likely benign for Cardiomyopathy. Last evaluated: 2020-09-30. Review status: criteria provided, single submitter. Criteria: ACMG Guidelines, 2015. Collection method: clinical testing. Allele origin: germline.

NM_000256.3(MYBPC3):c.1719T>A (p.Val573=)

Gene: MYBPC3 (myosin binding protein C3; minus strand). Cytogenetic location: 11p11.2.
Variant type: single nucleotide variant.
Coding change: c.1719T>A on transcript NM_000256.3 (MANE Select); coding-DNA position 1719, T replaced by A.
Protein change: p.Val573=; no amino-acid change (valine 573 retained).
Molecular consequence: synonymous variant.
Genome position (GRCh38, 1-based): chr11:47,342,062, A>T on the plus strand (T>A on the coding strand, the complement: MYBPC3 is on the minus strand). VCF-style: chr11-47342062-A-T. GRCh37 (hg19) VCF-style: chr11-47363613-A-T.
Identifiers: ClinVar variation 188556 (VCV000188556.11), dbSNP rs397515921, ClinGen allele CA010969.
Genomic context (GRCh38, chr11:47,342,062, plus strand): 5'-GGACACCTTTATGCGGCTGTCGGGCACCAGCTCCTTCCCATTCTTCAGCCACACACCCCG[A>T]ACATTCTCATCTGAGACCTCACATTTGAACACCGCCTGGTCCTTTGCGCCCACCATCAGG-3'
Protein context (NP_000247.2, residues 563-583): VFKCEVSDEN[Val573=]RGVWLKNGKE